The following is an entry in ClinVar:

ClinVar aggregate classification (germline): Likely pathogenic (1 of 4 stars; one submission).

Conditions:
Oculofaciocardiodental syndrome (MCOPS2). Identifiers: Orphanet 2712, MedGen C1846265, MONDO:0010261, OMIM 300166.

Submission:

Clinical Biomedical Laboratory, Shriners Hospital For Children - Canada
Classification: Likely pathogenic for Oculofaciocardiodental syndrome. Last evaluated: 2025-10-05. Review status: criteria provided, single submitter. Criteria: ACMG Guidelines, 2015. Collection method: clinical testing. Allele origin: germline. Affected: yes.
Comment: This variant is predicted to change a nucleotide in a consensus splice acceptor site of BCOR. The affected nucleotide is conserved in evolution (PhyloP = 7.541, highly conserved). This gene is associated with syndromic microphthalmia type 2, an X-linked dominant disorder (PMID 15004558). This variant is absent from the Genome Aggregation Database (v2.1.1).

Literature cited by the submitters: PubMed 15004558.

NM_001123385.2(BCOR):c.4977-2A>G

Gene: BCOR (BCL6 corepressor; minus strand). Cytogenetic location: Xp11.4.
Variant type: single nucleotide variant.
Coding change: c.4977-2A>G on transcript NM_001123385.2 (MANE Select); the canonical splice acceptor site of the intron before coding-DNA position 4977, A replaced by G.
Molecular consequence: splice acceptor variant.
Genome position (GRCh38, 1-based): chrX:40,052,402, T>C on the plus strand (A>G on the coding strand, the complement: BCOR is on the minus strand). VCF-style: chrX-40052402-T-C. GRCh37 (hg19) VCF-style: chrX-39911655-T-C.
Other names: c.4821-2A>G (NM_001123384.2); c.4923-2A>G (NM_001438207.1); c.4875-2A>G (NM_001123383.2, NM_001438208.1, NM_017745.6); c.4977-2A>G (NM_001437510.1); c.*45-2A>G (NM_001437511.1).
Identifiers: ClinVar variation 4280633 (VCV004280633.1).